The following is an entry in ClinVar:

NM_000540.3(RYR1):c.10686+4T>C

Gene: RYR1 (ryanodine receptor 1; plus strand). Cytogenetic location: 19q13.2.
Variant type: single nucleotide variant.
Coding change: c.10686+4T>C on transcript NM_000540.3 (MANE Select); 4 bases into the intron after coding-DNA position 10686, T replaced by C.
Molecular consequence: intron variant.
Genome position (GRCh38, 1-based): chr19:38,527,056, T>C. VCF-style: chr19-38527056-T-C. GRCh37 (hg19) VCF-style: chr19-39017696-T-C.
Other names: c.10671+4T>C (NM_001042723.2).
Identifiers: ClinVar variation 1008451 (VCV001008451.10), dbSNP rs1188156028, ClinGen allele CA507236930.

ClinVar aggregate classification (germline): Conflicting classifications of pathogenicity. Review status: criteria provided, conflicting classifications (1 of 4 stars). 4 submissions from 4 submitters: Uncertain significance (3); Likely benign (1). Last evaluated 2025-02-16.

Conditions:
Malignant hyperthermia, susceptibility to, 1 (MHS1). Also called: RYR1-Related Malignant Hyperthermia Susceptibility; Anesthesia related hyperthermia; Malignant hyperpyrexia; Fulminating hyperpyrexia; Pharmacogenic myopathy; Malignant hyperthermia suceptibility 1. Identifiers: Orphanet 423, MedGen C2930980, MONDO:0007783, OMIM 145600.
RYR1-related disorder. Also called: RYR1-related disorders; RYR1-related condition. Identifiers: MedGen CN239331.

Allele frequency attached by ClinVar (database versions not stated): gnomAD 0.00001; gnomAD exomes 0.00001; TOPMed 0.00001.
gnomAD v4.1: 18 of 1,613,660 alleles (0.0011%); highest among the groups gnomAD compares: Non-Finnish European, 0.0014%; no homozygotes.

Submissions (4):

Laboratory of Genetics, Children's Clinical University Hospital Latvia
Classification: Likely benign. Last evaluated: 2025-02-16. Review status: criteria provided, single submitter. Criteria: ACMG Guidelines, 2015. Collection method: clinical testing. Allele origin: germline. Affected: yes.

All of Us Research Program, National Institutes of Health
Classification: Uncertain significance for Malignant hyperthermia, susceptibility to, 1. Last evaluated: 2024-07-29. Review status: criteria provided, single submitter. Criteria: ACMG Guidelines, 2015. Collection method: clinical testing. Allele origin: germline. Inheritance: Autosomal dominant inheritance. Observed: 3 variant alleles, 3 heterozygotes.
Comment: This variant causes a T to C nucleotide substitution at the +4 position of intron 72 of the RYR1 gene. To our knowledge, functional studies have not been reported for this variant. This variant has not been reported in individuals affected with RYR1-related disorders in the literature. This variant has been identified in 1/31406 chromosomes in the general population by the Genome Aggregation Database (gnomAD). The available evidence is insufficient to determine the role of this variant in disease conclusively. Therefore, this variant is classified as a Variant of Uncertain Significance.

This study involves interpretation of variants in research participants for the purpose of population health screening. Participant phenotype was not available at the time of variant classification. Additional details can be found in publication PMID: 35346344, PMCID: PMC8962531

Color Diagnostics, LLC DBA Color Health
Classification: Uncertain significance for Malignant hyperthermia, susceptibility to, 1. Last evaluated: 2024-05-29. Review status: criteria provided, single submitter. Criteria: ACMG Guidelines, 2015. Collection method: clinical testing. Allele origin: germline.
Comment: This variant causes a T to C nucleotide substitution at the +4 position of intron 72 of the RYR1 gene. To our knowledge, functional studies have not been reported for this variant. This variant has not been reported in individuals affected with RYR1-related disorders in the literature. This variant has been identified in 1/31406 chromosomes in the general population by the Genome Aggregation Database (gnomAD). The available evidence is insufficient to determine the role of this variant in disease conclusively. Therefore, this variant is classified as a Variant of Uncertain Significance.

Labcorp Genetics (formerly Invitae), Labcorp
Classification: Uncertain significance for RYR1-related disorder. Last evaluated: 2021-03-30. Review status: criteria provided, single submitter. Criteria: Invitae Variant Classification Sherloc (09022015). Collection method: clinical testing. Allele origin: germline.
Comment: This sequence change falls in intron 72 of the RYR1 gene. It does not directly change the encoded amino acid sequence of the RYR1 protein, but it affects a nucleotide within the consensus splice site of the intron. This variant is not present in population databases (ExAC no frequency). In summary, the available evidence is currently insufficient to determine the role of this variant in disease. Therefore, it has been classified as a Variant of Uncertain Significance. Nucleotide substitutions within the consensus splice site are a relatively common cause of aberrant splicing (PMID: 17576681, 9536098). Algorithms developed to predict the effect of sequence changes on RNA splicing suggest that this variant is not likely to affect RNA splicing, but this prediction has not been confirmed by published transcriptional studies. This variant has not been reported in the literature in individuals with RYR1-related disease.

Literature cited by the submitters: PubMed 17576681 (cited by Labcorp Genetics (formerly Invitae), Labcorp); PubMed 9536098 (cited by Labcorp Genetics (formerly Invitae), Labcorp).